The following is an entry in ClinVar:

NM_017534.6(MYH2):c.4697G>A (p.Arg1566His)

Genes: MYH2 (myosin heavy chain 2; minus strand), MYHAS (myosin heavy chain gene cluster antisense RNA; plus strand), LOC126862500 (BRD4-independent group 4 enhancer GRCh37_chr17:10427829-10429028; plus strand). Cytogenetic location: 17p13.1.
Variant type: single nucleotide variant.
Coding change: c.4697G>A on transcript NM_017534.6 (MANE Select); coding-DNA position 4697, G replaced by A.
Protein change: p.Arg1566His; replaces arginine 1566 with histidine.
Molecular consequence: missense variant.
Genome position (GRCh38, 1-based): chr17:10,525,031, C>T on the plus strand (G>A on the coding strand, the complement: MYH2 is on the minus strand). VCF-style: chr17-10525031-C-T. GRCh37 (hg19) VCF-style: chr17-10428348-C-T.
Other names: c.4697G>A, p.Arg1566His (NM_001100112.2); short protein forms R1566H.
Identifiers: ClinVar variation 321665 (VCV000321665.17), dbSNP rs200732220, ClinGen allele CA8390570.

ClinVar aggregate classification (germline): Uncertain significance. Review status: criteria provided, multiple submitters, no conflicts (2 of 4 stars). 4 submissions from 4 submitters: Uncertain significance (4). Last evaluated 2026-01-12.

Conditions:
Inborn genetic diseases. Identifiers: MedGen C0950123, MeSH D030342.
Myopathy, proximal, and ophthalmoplegia (CMYO6). Also called: MYOPATHY WITH CONGENITAL JOINT CONTRACTURES, OPHTHALMOPLEGIA, AND RIMMED VACUOLES; INCLUSION BODY MYOPATHY 3, AUTOSOMAL DOMINANT; CONGENITAL MYOPATHY 6 WITH OPHTHALMOPLEGIA. Identifiers: Orphanet 363677, Orphanet 79091, MedGen C1854106, MONDO:0011577, OMIM 605637.

Allele frequency attached by ClinVar (database versions not stated): gnomAD exomes 0.00015 and 0.00016; TOPMed 0.00015; ExAC 0.00017; gnomAD 0.00017; 1000 Genomes Project 30x 0.00031; ESP Exome Variant Server 0.00046.
gnomAD v4.1: 261 of 1,614,078 alleles (0.016%); highest among the groups gnomAD compares: Middle Eastern, 0.033%; no homozygotes.

Submissions (4):

Labcorp Genetics (formerly Invitae), Labcorp
Classification: Uncertain significance for Myopathy, proximal, and ophthalmoplegia. Last evaluated: 2026-01-12. Review status: criteria provided, single submitter. Criteria: Invitae Variant Classification Sherloc (09022015). Collection method: clinical testing. Allele origin: germline.
Comment: This sequence change replaces arginine, which is basic and polar, with histidine, which is basic and polar, at codon 1566 of the MYH2 protein (p.Arg1566His). This variant is present in population databases (rs200732220, gnomAD 0.07%). This variant has not been reported in the literature in individuals affected with MYH2-related conditions. ClinVar contains an entry for this variant (Variation ID: 321665). Invitae Evidence Modeling of protein sequence and biophysical properties (such as structural, functional, and spatial information, amino acid conservation, physicochemical variation, residue mobility, and thermodynamic stability) has been performed for this missense variant. However, the output from this modeling did not meet the statistical confidence thresholds required to predict the impact of this variant on MYH2 protein function. In summary, the available evidence is currently insufficient to determine the role of this variant in disease. Therefore, it has been classified as a Variant of Uncertain Significance.

Ambry Genetics
Classification: Uncertain significance for Inborn genetic diseases. Last evaluated: 2025-08-30. Review status: criteria provided, single submitter. Criteria: Ambry Variant Classification Scheme 2023. Collection method: clinical testing. Allele origin: germline.

Revvity Omics, Revvity
Classification: Uncertain significance for Myopathy, proximal, and ophthalmoplegia. Last evaluated: 2025-02-21. Review status: criteria provided, single submitter. Criteria: ACMG Guidelines, 2015. Collection method: clinical testing. Allele origin: germline.

GeneDx
Classification: Uncertain significance. Last evaluated: 2020-08-14. Review status: criteria provided, single submitter. Criteria: GeneDx Variant Classification Process June 2021. Collection method: clinical testing. Allele origin: germline. Affected: yes.
Comment: In silico analysis supports that this missense variant has a deleterious effect on protein structure/function; Has not been previously published as pathogenic or benign to our knowledge